The following is an entry in ClinVar:

NM_001379500.1(COL18A1):c.107-11974C>T

Gene: COL18A1 (collagen type XVIII alpha 1 chain; plus strand). Cytogenetic location: 21q22.3.
Variant type: single nucleotide variant.
Coding change: c.107-11974C>T on transcript NM_001379500.1 (MANE Select); 11974 bases into the intron before coding-DNA position 107, C replaced by T.
Molecular consequence: intron variant. On other transcripts: synonymous variant (1).
Genome position (GRCh38, 1-based): chr21:45,456,268, C>T. VCF-style: chr21-45456268-C-T. GRCh37 (hg19) VCF-style: chr21-46876182-C-T.
Other names: c.738C>T, p.Ala246= (NM_130444.3); c.646+92C>T (NM_030582.4).
Identifiers: ClinVar variation 4986642 (VCV004986642.1).

ClinVar aggregate classification (germline): Likely benign (1 of 4 stars; one submission).

Conditions:
COL18A1-related disorder. Also called: COL18A1-related condition; COL18A1-related disorders.

gnomAD v4.1: 20 of 1,578,164 alleles (0.0013%); highest among the groups gnomAD compares: African/African-American, 0.0068%; no homozygotes.

Submission:

PreventionGenetics, part of Exact Sciences
Classification: Likely benign for COL18A1-related condition. Last evaluated: 2025-05-01. Review status: criteria provided, single submitter. Criteria: ACMG Guidelines, 2015. Collection method: clinical testing. Allele origin: germline.
Comment: This variant is classified as likely benign based on ACMG/AMP sequence variant interpretation guidelines (Richards et al. 2015 PMID: 25741868, with internal and published modifications).